The following is an entry in ClinVar:

ClinVar aggregate classification (germline): Uncertain significance (1 of 4 stars; one submission).

Conditions:
Bardet-Biedl syndrome (BBS). Identifiers: Orphanet 110, MedGen C0752166, MONDO:0015229.

gnomAD v4.1: 1 of 1,614,254 alleles (0.000062%); no homozygotes.

Submission:

Labcorp Genetics (formerly Invitae), Labcorp
Classification: Uncertain significance for Bardet-Biedl syndrome. Last evaluated: 2021-08-28. Review status: criteria provided, single submitter. Criteria: Invitae Variant Classification Sherloc (09022015). Collection method: clinical testing. Allele origin: germline.
Comment: In summary, the available evidence is currently insufficient to determine the role of this variant in disease. Therefore, it has been classified as a Variant of Uncertain Significance. Algorithms developed to predict the effect of missense changes on protein structure and function are either unavailable or do not agree on the potential impact of this missense change (SIFT: "Tolerated"; PolyPhen-2: "Probably Damaging"; Align-GVGD: "Class C0"). This variant has not been reported in the literature in individuals affected with BBS12-related conditions. This variant is not present in population databases (ExAC no frequency). This sequence change replaces valine with leucine at codon 465 of the BBS12 protein (p.Val465Leu). The valine residue is highly conserved and there is a small physicochemical difference between valine and leucine.

NM_152618.3(BBS12):c.1393G>T (p.Val465Leu)

Gene: BBS12 (Bardet-Biedl syndrome 12; plus strand). Cytogenetic location: 4q27.
Variant type: single nucleotide variant.
Coding change: c.1393G>T on transcript NM_152618.3 (MANE Select); coding-DNA position 1393, G replaced by T.
Protein change: p.Val465Leu; replaces valine 465 with leucine.
Molecular consequence: missense variant.
Genome position (GRCh38, 1-based): chr4:122,743,285, G>T. VCF-style: chr4-122743285-G-T. GRCh37 (hg19) VCF-style: chr4-123664440-G-T.
Other names: c.1393G>T, p.Val465Leu (NM_001178007.2); short protein forms V465L.
Identifiers: ClinVar variation 1436307 (VCV001436307.6), dbSNP rs1409837279, ClinGen allele CA358225021.
Genomic context (GRCh38, chr4:122,743,285, plus strand): 5'-TTTGCAGAGGCTGCAGGAGCAGTACAGGTGGCCTACATTACACAAGTGAATGAAGATTGT[G>T]TGGGCGACGGGGTCTGCGTGACCTTCTGGAGAAGCAGCCCTTTGGATGTTGTAGATAGGA-3'
Protein context (NP_689831.2, residues 455-475): AYITQVNEDC[Val465Leu]GDGVCVTFWR